The following is an entry in ClinVar:

NM_000202.8(IDS):c.1393C>A (p.Gln465Lys)

Gene: IDS (iduronate 2-sulfatase; minus strand). Cytogenetic location: Xq28.
Variant type: single nucleotide variant.
Coding change: c.1393C>A on transcript NM_000202.8 (MANE Select); coding-DNA position 1393, C replaced by A.
Protein change: p.Gln465Lys; replaces glutamine 465 with lysine.
Molecular consequence: missense variant.
Genome position (GRCh38, 1-based): chrX:149,483,006, G>T on the plus strand (C>A on the coding strand, the complement: IDS is on the minus strand). VCF-style: chrX-149483006-G-T. GRCh37 (hg19) VCF-style: chrX-148564537-G-T.
Other names: c.1123C>A, p.Gln375Lys (NM_001166550.4); short protein forms Q465K, Q375K.
Identifiers: ClinVar variation 383181 (VCV000383181.2), dbSNP rs864622772, ClinGen allele CA16608716.
Genomic context (GRCh38, chrX:149,483,006, plus strand): 5'-TATCTTTTAAACTCGGCTTGTCAGAATTCCACTGAGGGATGTCTGAAGGCCGGGGATACT[G>T]GCTATAGGCAATCAGTTCACGGGGATTACCAGGGAGGTACGGATCCTCTTCCAAGTCACG-3'
Protein context (NP_000193.1, residues 455-475): GNPRELIAYS[Gln465Lys]YPRPSDIPQW

ClinVar aggregate classification (germline): Likely pathogenic (1 of 4 stars; one submission).

Submission:

GeneDx
Classification: Likely pathogenic. Last evaluated: 2016-02-09. Review status: criteria provided, single submitter. Criteria: GeneDx Variant Classification (06012015). Collection method: clinical testing. Allele origin: germline. Affected: yes.
Comment: The Q465K variant in the IDS gene has not been reported previously as a pathogenic variant, nor as a benign variant, to our knowledge. The Q465K variant was not observed in approximately 6500 individuals of European and African American ancestry in the NHLBI Exome Sequencing Project, indicating it is not a common benign variant in these populations. The Q465K variant is a semi-conservative amino acid substitution, which may impact secondary protein structure as these residues differ in some properties. This substitution occurs at a position that is conserved across species and in silico analysis predicts this variant is probably damaging to the protein structure/function. Missense variants at the same and nearby residues (Q465P, S464R, P467L, P467R) have been reported in the Human Gene Mutation Database in association with mucopolysaccharidosis, type II (Stenson et al., 2014), supporting the functional importance of this region of the protein. The Q465K variant is a strong candidate for a pathogenic variant, however the possibility it may be a rare benign variant cannot be excluded.